The following is an entry in ClinVar:

NM_000238.4(KCNH2):c.3061A>C (p.Ser1021Arg)

Gene: KCNH2 (potassium voltage-gated channel subfamily H member 2; minus strand). Cytogenetic location: 7q36.1.
Variant type: single nucleotide variant.
Coding change: c.3061A>C on transcript NM_000238.4 (MANE Select); coding-DNA position 3061, A replaced by C.
Protein change: p.Ser1021Arg; replaces serine 1021 with arginine.
Molecular consequence: missense variant. On other transcripts: non-coding transcript variant (2).
Genome position (GRCh38, 1-based): chr7:150,947,419, T>G on the plus strand (A>C on the coding strand, the complement: KCNH2 is on the minus strand). VCF-style: chr7-150947419-T-G. GRCh37 (hg19) VCF-style: chr7-150644507-T-G.
Other names: c.2773A>C, p.Ser925Arg (NM_001406753.1); c.2041A>C, p.Ser681Arg (NM_172057.3); short protein forms S1021R, S681R, S925R.
Identifiers: ClinVar variation 2567289 (VCV002567289.3), dbSNP rs1563146032, ClinGen allele CA369852778.
Genomic context (GRCh38, chr7:150,947,419, plus strand): 5'-TGCTCTCCACGTCGCCCCGGGGCCGCCGACCCGGGCTGGAGAGGGGGATGTTGAGGAGGC[T>G]GGGGGTGGGGGCGGGGCATCGAGGGAGCTCCTGGTACTGGCGGCCCCGACTGTCCCCCCA-3'
Protein context (NP_000229.1, residues 1011-1031): ELPRCPAPTP[Ser1021Arg]LLNIPLSSPG

ClinVar aggregate classification (germline): Uncertain significance. Review status: criteria provided, multiple submitters, no conflicts (2 of 4 stars). 2 submissions from 2 submitters: Uncertain significance (2). Last evaluated 2023-11-30.

Conditions:
Long QT syndrome (LQTS). Identifiers: MedGen C0023976, MeSH D008133, MONDO:0002442. Disease mechanism: loss of function. Inheritance: Various modes of inheritance.
Cardiovascular phenotype. Identifiers: MedGen CN230736.

Submissions (2):

All of Us Research Program, National Institutes of Health
Classification: Uncertain significance for Long QT syndrome. Last evaluated: 2023-11-30. Review status: criteria provided, single submitter. Criteria: ACMG Guidelines, 2015. Collection method: clinical testing. Allele origin: germline. Inheritance: Autosomal dominant inheritance. Observed: 1 variant allele, 1 heterozygote.
Comment: This study involves interpretation of variants in research participants for the purpose of population health screening. Participant phenotype was not available at the time of variant classification. Additional details can be found in publication PMID: 35346344, PMCID: PMC8962531

Ambry Genetics
Classification: Uncertain significance for Cardiovascular phenotype. Last evaluated: 2023-04-17. Review status: criteria provided, single submitter. Criteria: Ambry Variant Classification Scheme 2023. Collection method: clinical testing. Allele origin: germline.
Comment: The p.S1021R variant (also known as c.3061A>C), located in coding exon 13 of the KCNH2 gene, results from an A to C substitution at nucleotide position 3061. The serine at codon 1021 is replaced by arginine, an amino acid with dissimilar properties. This amino acid position is not well conserved in available vertebrate species. In addition, the in silico prediction for this alteration is inconclusive. Since supporting evidence is limited at this time, the clinical significance of this alteration remains unclear.